The following is an entry in ClinVar:

ClinVar aggregate classification (germline): Uncertain significance (1 of 4 stars; one submission).

Allele frequency attached by ClinVar (database versions not stated): gnomAD exomes below 0.00001; gnomAD 0.00001; TOPMed 0.00001.
gnomAD v4.1: 3 of 1,614,014 alleles (0.00019%); highest among the groups gnomAD compares: African/African-American, 0.004%; no homozygotes.

Submission:

Labcorp Genetics (formerly Invitae), Labcorp
Classification: Uncertain significance. Last evaluated: 2023-11-04. Review status: criteria provided, single submitter. Criteria: Invitae Variant Classification Sherloc (09022015). Collection method: clinical testing. Allele origin: germline.
Comment: This sequence change replaces lysine, which is basic and polar, with asparagine, which is neutral and polar, at codon 1374 of the LRP5 protein (p.Lys1374Asn). This variant is not present in population databases (gnomAD no frequency). This variant has not been reported in the literature in individuals affected with LRP5-related conditions. Advanced modeling of protein sequence and biophysical properties (such as structural, functional, and spatial information, amino acid conservation, physicochemical variation, residue mobility, and thermodynamic stability) performed at Invitae indicates that this missense variant is not expected to disrupt LRP5 protein function with a negative predictive value of 95%. In summary, the available evidence is currently insufficient to determine the role of this variant in disease. Therefore, it has been classified as a Variant of Uncertain Significance.

NM_002335.4(LRP5):c.4122G>C (p.Lys1374Asn)

Gene: LRP5 (LDL receptor related protein 5; plus strand). Cytogenetic location: 11q13.2.
Variant type: single nucleotide variant.
Coding change: c.4122G>C on transcript NM_002335.4 (MANE Select); coding-DNA position 4122, G replaced by C.
Protein change: p.Lys1374Asn; replaces lysine 1374 with asparagine.
Molecular consequence: missense variant.
Genome position (GRCh38, 1-based): chr11:68,438,456, G>C. VCF-style: chr11-68438456-G-C. GRCh37 (hg19) VCF-style: chr11-68205924-G-C.
Other names: c.2379G>C, p.Lys793Asn (NM_001291902.2); short protein forms K793N, K1374N.
Identifiers: ClinVar variation 2987229 (VCV002987229.3), dbSNP rs2098676246, ClinGen allele CA381614834.